The following is an entry in ClinVar:

ClinVar aggregate classification (germline): Likely benign (0 of 4 stars; one submission).

Conditions:
ADCY3-related disorder. Also called: ADCY3-related condition.

Submission:

PreventionGenetics, part of Exact Sciences
Classification: Likely benign for ADCY3-related condition. Last evaluated: 2021-03-22. Review status: no assertion criteria provided. Collection method: clinical testing. Allele origin: germline.
Comment: This variant is classified as likely benign based on ACMG/AMP sequence variant interpretation guidelines (Richards et al. 2015 PMID: 25741868, with internal and published modifications).

NM_004036.5(ADCY3):c.3216C>T (p.Ser1072=)

Genes: ADCY3 (adenylate cyclase 3; minus strand), CENPO (centromere protein O; plus strand). Cytogenetic location: 2p23.3.
Variant type: single nucleotide variant.
Coding change: c.3216C>T on transcript NM_004036.5 (MANE Select); coding-DNA position 3216, C replaced by T.
Protein change: p.Ser1072=; no amino-acid change (serine 1072 retained).
Molecular consequence: synonymous variant. On other transcripts: 3 prime UTR variant (3), non-coding transcript variant (3).
Genome position (GRCh38, 1-based): chr2:24,820,760, G>A on the plus strand (C>T on the coding strand, the complement: ADCY3 is on the minus strand). VCF-style: chr2-24820760-G-A. GRCh37 (hg19) VCF-style: chr2-25043629-G-A.
Other names: c.3219C>T, p.Ser1073= (NM_001320613.2); c.3282C>T, p.Ser1094= (NM_001377128.1); c.3078C>T, p.Ser1026= (NM_001377129.1); c.2664C>T, p.Ser888= (NM_001377130.1); c.2493C>T, p.Ser831= (NM_001377131.1); c.3216C>T, p.Ser1072= (NM_001377132.1); c.*1442G>A (NM_001199803.3, NM_001322101.2, NM_024322.4).
Identifiers: ClinVar variation 3031528 (VCV003031528.2), dbSNP rs2466563346, ClinGen allele CA425171632.